The following is an entry in ClinVar:

ClinVar aggregate classification (germline): Uncertain significance (1 of 4 stars; one submission).

Conditions:
Hereditary cancer-predisposing syndrome. Also called: Hereditary Cancer Syndrome; Hereditary neoplastic syndrome; Tumor predisposition; Neoplastic Syndromes, Hereditary. Identifiers: Orphanet 140162, MedGen C0027672, MeSH D009386, MONDO:0015356.

Submission:

Ambry Genetics
Classification: Uncertain significance for Hereditary cancer-predisposing syndrome. Last evaluated: 2022-03-23. Review status: criteria provided, single submitter. Criteria: Ambry Variant Classification Scheme 2023. Collection method: clinical testing. Allele origin: germline.
Comment: The c.2493_2495dupGCA variant (also known as p.T831_H832insQ), located in coding exon 21 of the TSC2 gene, results from an in-frame duplication of GCA at nucleotide positions 2493 to 2495. This results in the insertion of a glutamine residue between codons 831 and 832. This amino acid region is highly conserved in available vertebrate species. In addition, this alteration is predicted to be deleterious by in silico analysis (Choi Y et al. PLoS ONE. 2012; 7(10):e46688). Since supporting evidence is limited at this time, the clinical significance of this alteration remains unclear.

NM_000548.5(TSC2):c.2493_2495dup (p.Thr831_His832insGln)

Gene: TSC2 (TSC complex subunit 2; plus strand). Cytogenetic location: 16p13.3.
Variant type: Duplication.
Coding change: c.2493_2495dup on transcript NM_000548.5 (MANE Select); coding-DNA positions 2493 to 2495, 3 bases duplicated (GCA; older notation c.2493_2495dupGCA).
Protein change: p.Thr831_His832insGln.
Molecular consequence: inframe insertion. On other transcripts: inframe indel (33).
Genome position (GRCh38, 1-based): chr16:2,074,337-2,074,339, GCA duplicated. VCF-style (leftmost placement, unchanged base first): chr16-2074336-C-CGCA. GRCh37 (hg19) VCF-style: chr16-2124337-C-CGCA.
Other names: c.2493_2495dup, p.Thr831_His832insGln (NM_001077183.3, NM_001114382.3, NM_001363528.2 and 6 more transcripts); c.2382_2384dup, p.Thr794_His795insGln (NM_001318827.2, NM_001406670.1, NM_001406678.1); c.2346_2348dup, p.Thr782_His783insGln (NM_001318829.2, NM_001406675.1, NM_001406676.1 and 1 more transcripts); c.1893_1895dup, p.Thr631_His632insGln (NM_001318831.2, NM_001406680.1, NM_001406682.1 and 6 more transcripts); c.2526_2528dup, p.Thr842_His843insGln (NM_001318832.2); c.2583_2585dup, p.Thr861_His862insGln (NM_001406667.1, NM_001406668.1); c.2481_2483dup, p.Thr827_His828insGln (NM_001406671.1, NM_001406673.1); c.2436_2438dup, p.Thr812_His813insGln (NM_001406677.1); and 4 more.
Identifiers: ClinVar variation 1792093 (VCV001792093.2), dbSNP rs2543824525, ClinGen allele CA2580090837.